The following is an entry in ClinVar:

ClinVar aggregate classification (germline): Pathogenic (1 of 4 stars; one submission).

Conditions:
Autosomal recessive osteopetrosis 1. Also called: ALBERS-SCHONBERG DISEASE, AUTOSOMAL RECESSIVE; TCIRG1-Related Autosomal Recessive Osteopetrosis; TCIRG1-Related Osteopetrosis. Identifiers: Orphanet 667, MedGen C1850127, MONDO:0009815, OMIM 259700.

Submission:

Natera, Inc.
Classification: Pathogenic for Infantile malignant osteopetrosis. Last evaluated: 2025-06-05. Review status: criteria provided, single submitter. Criteria: Natera Variant Classification Schema (03/2026). Collection method: clinical testing. Allele origin: germline.
Comment: The c.1165+1G>A variant in TCIRG1 is a canonical splice donor site variant predicted to affect pre-mRNA splicing, which may result in an abnormal transcript and altered protein product. This variant is expected to result in nonsense mediated decay, truncation, or a dysfunctional protein product. This variant is rare in the general population with a frequency below the threshold expected for the associated phenotype(s). This variant has been observed in one or more individuals affected with the associated recessive disease, as either homozygous or compound heterozygous with a second variant (PMID: 34753502). Given the available evidence, this variant is classified as Pathogenic.

Literature cited by the submitters: PubMed 34753502.

NM_006019.4(TCIRG1):c.1165+1G>A

Gene: TCIRG1 (T cell immune regulator 1, ATPase H+ transporting V0 subunit a3; plus strand). Cytogenetic location: 11q13.2.
Variant type: single nucleotide variant.
Coding change: c.1165+1G>A on transcript NM_006019.4 (MANE Select); the canonical splice donor site of the intron after coding-DNA position 1165, G replaced by A.
Molecular consequence: splice donor variant. On other transcripts: intron variant (1).
Genome position (GRCh38, 1-based): chr11:68,045,103, G>A. VCF-style: chr11-68045103-G-A. GRCh37 (hg19) VCF-style: chr11-67812570-G-A.
Other names: c.1165+1G>A (NM_001440552.1, NM_001440557.1, NM_001440558.1 and 2 more transcripts); c.952+1G>A (NM_001440559.1, NM_001440561.1, NM_001440566.1 and 3 more transcripts); c.503+2072G>A (NM_001440569.1); c.1123+1G>A (NM_001440555.1, NM_001440556.1, NM_001440563.1); c.271+1G>A (NM_001351059.2); c.865+1G>A (NM_001440565.1); c.910+1G>A (NM_001440564.1); c.697+1G>A (NM_001440568.1); and 1 more.
Identifiers: ClinVar variation 4815477 (VCV004815477.1).